The following is an entry in ClinVar:

ClinVar aggregate classification (germline): Conflicting classifications of pathogenicity. Review status: criteria provided, conflicting classifications (1 of 4 stars). 3 submissions from 1 submitter: Uncertain significance (1); Benign (1); Likely benign (1). Last evaluated 2018-01-13.

Conditions:
Retinitis pigmentosa (RP). Identifiers: Orphanet 791, MedGen C0035334, MeSH D012174, MONDO:0019200, OMIM 268000. Inheritance: Autosomal dominant, autosomal recessive and X linked inheritance.
Leber congenital amaurosis 7 (LCA7). Identifiers: Orphanet 65, MedGen C3151192, MONDO:0013449, OMIM 613829.
Cone-rod dystrophy 2 (CORD2). Also called: CONE-ROD RETINAL DYSTROPHY; Cone-rod retinal dystrophy 2. Identifiers: Orphanet 1872, MedGen C3489532, MONDO:0007362, OMIM 120970.

Allele frequency attached by ClinVar (database versions not stated): gnomAD 0.00030 and 0.00039; TOPMed 0.00040; 1000 Genomes Project 30x 0.00078; 1000 Genomes Project 0.00100.
gnomAD v4.1: 814 of 1,220,890 alleles (0.067%); highest among the groups gnomAD compares: South Asian, 0.36%; 6 homozygotes.

Submissions (3):

Illumina Laboratory Services, Illumina
Classification: Benign for Cone-rod dystrophy 2. Last evaluated: 2018-01-13. Review status: criteria provided, single submitter. Criteria: ICSL Variant Classification Criteria 13 December 2019. Collection method: clinical testing. Allele origin: germline.
Comment: This variant was observed in the ICSL laboratory as part of a predisposition screen in an ostensibly healthy population. It had not been previously curated by ICSL or reported in the Human Gene Mutation Database (HGMD: prior to June 1st, 2018), and was therefore a candidate for classification through an automated scoring system. Utilizing variant allele frequency, disease prevalence and penetrance estimates, and inheritance mode, an automated score was calculated to assess if this variant is too frequent to cause the disease. Based on the score and internal cut-off values, a variant classified as benign is not then subjected to further curation. The score for this variant resulted in a classification of benign for this disease.

Illumina Laboratory Services, Illumina
Classification: Uncertain significance for Leber congenital amaurosis 7. Last evaluated: 2018-01-13. Review status: criteria provided, single submitter. Criteria: ICSL Variant Classification Criteria 13 December 2019. Collection method: clinical testing. Allele origin: germline.

Illumina Laboratory Services, Illumina
Classification: Likely benign for Retinitis pigmentosa. Last evaluated: 2018-01-13. Review status: criteria provided, single submitter. Criteria: ICSL Variant Classification Criteria 13 December 2019. Collection method: clinical testing. Allele origin: germline.
Comment: This variant was observed in the ICSL laboratory as part of a predisposition screen in an ostensibly healthy population. It had not been previously curated by ICSL or reported in the Human Gene Mutation Database (HGMD: prior to June 1st, 2018), and was therefore a candidate for classification through an automated scoring system. Utilizing variant allele frequency, disease prevalence and penetrance estimates, and inheritance mode, an automated score was calculated to assess if this variant is too frequent to cause the disease. Based on the score and internal cut-off values, a variant classified as likely benign is not then subjected to further curation. The score for this variant resulted in a classification of likely benign for this disease.

NM_000554.6(CRX):c.*117T>A

Gene: CRX (cone-rod homeobox; plus strand). Cytogenetic location: 19q13.33.
Variant type: single nucleotide variant.
Coding change: c.*117T>A on transcript NM_000554.6 (MANE Select); 117 bases downstream of the stop codon, T replaced by A.
Molecular consequence: 3 prime UTR variant.
Genome position (GRCh38, 1-based): chr19:47,840,084, T>A. VCF-style: chr19-47840084-T-A. GRCh37 (hg19) VCF-style: chr19-48343341-T-A.
Identifiers: ClinVar variation 892703 (VCV000892703.4), dbSNP rs574641672, ClinGen allele CA309213375.